The following is an entry in ClinVar:

ClinVar aggregate classification (germline): Uncertain significance (1 of 4 stars; one submission).

Allele frequency attached by ClinVar (database versions not stated): gnomAD 0.00001; gnomAD exomes 0.00001.
gnomAD v4.1: 6 of 1,592,104 alleles (0.00038%); highest among the groups gnomAD compares: Non-Finnish European, 0.00051%; no homozygotes.

Submission:

Labcorp Genetics (formerly Invitae), Labcorp
Classification: Uncertain significance. Last evaluated: 2023-11-20. Review status: criteria provided, single submitter. Criteria: Invitae Variant Classification Sherloc (09022015). Collection method: clinical testing. Allele origin: germline.
Comment: This sequence change replaces threonine, which is neutral and polar, with isoleucine, which is neutral and non-polar, at codon 143 of the PPP3CA protein (p.Thr143Ile). This variant is present in population databases (no rsID available, gnomAD 0.007%). This variant has not been reported in the literature in individuals affected with PPP3CA-related conditions. Advanced modeling of protein sequence and biophysical properties (such as structural, functional, and spatial information, amino acid conservation, physicochemical variation, residue mobility, and thermodynamic stability) performed at Invitae indicates that this missense variant is expected to disrupt PPP3CA protein function with a positive predictive value of 80%. In summary, the available evidence is currently insufficient to determine the role of this variant in disease. Therefore, it has been classified as a Variant of Uncertain Significance.

NM_000944.5(PPP3CA):c.428C>T (p.Thr143Ile)

Gene: PPP3CA (protein phosphatase 3 catalytic subunit alpha; minus strand). Cytogenetic location: 4q24.
Variant type: single nucleotide variant.
Coding change: c.428C>T on transcript NM_000944.5 (MANE Select); coding-DNA position 428, C replaced by T.
Protein change: p.Thr143Ile; replaces threonine 143 with isoleucine.
Molecular consequence: missense variant.
Genome position (GRCh38, 1-based): chr4:101,099,679, G>A on the plus strand (C>T on the coding strand, the complement: PPP3CA is on the minus strand). VCF-style: chr4-101099679-G-A. GRCh37 (hg19) VCF-style: chr4-102020836-G-A.
Other names: c.428C>T, p.Thr143Ile (NM_001130691.2, NM_001130692.2); short protein forms T143I.
Identifiers: ClinVar variation 2776525 (VCV002776525.3), dbSNP rs1323355157, ClinGen allele CA357950285.